The following is an entry in ClinVar:

NM_017780.4(CHD7):c.7082G>A (p.Arg2361Lys)

Gene: CHD7 (chromodomain helicase DNA binding protein 7; plus strand). Cytogenetic location: 8q12.2.
Variant type: single nucleotide variant.
Coding change: c.7082G>A on transcript NM_017780.4 (MANE Select); coding-DNA position 7082, G replaced by A.
Protein change: p.Arg2361Lys; replaces arginine 2361 with lysine.
Molecular consequence: missense variant. On other transcripts: intron variant (1).
Genome position (GRCh38, 1-based): chr8:60,856,120, G>A. VCF-style: chr8-60856120-G-A. GRCh37 (hg19) VCF-style: chr8-61768679-G-A.
Other names: c.1717-6109G>A (NM_001316690.1); short protein forms R2361K.
Identifiers: ClinVar variation 363478 (VCV000363478.41), dbSNP rs777753993, ClinGen allele CA4760731.

ClinVar aggregate classification (germline): Conflicting classifications of pathogenicity. Review status: criteria provided, conflicting classifications (1 of 4 stars). 6 submissions from 6 submitters: Uncertain significance (3); Likely benign (3). Last evaluated 2026-08-01.

Conditions:
Hypogonadotropic hypogonadism 5 with or without anosmia (KAL5). Also called: HYPOGONADOTROPIC HYPOGONADISM 5 WITH ANOSMIA; HYPOGONADOTROPHIC HYPOGONADISM 5 WITHOUT ANOSMIA; CHD7-Related GnRH Deficiency (Kallmann Syndrome 5). Identifiers: Orphanet 478, MedGen C3552553, MONDO:0012880, OMIM 612370. Disease mechanism: loss of function.
Inborn genetic diseases. Identifiers: MedGen C0950123, MeSH D030342.
CHD7-related disorder. Also called: CHD7-related condition.
CHARGE syndrome (CHARGE). Also called: CHARGE ASSOCIATION--COLOBOMA, HEART ANOMALY, CHOANAL ATRESIA, RETARDATION, GENITAL AND EAR ANOMALIES; Coloboma, heart anomaly, choanal atresia, retardation, genital and ear anomalies; CHARGE association; Hall-Hittner syndrome; Hittner Hirsch Kreh syndrome. Identifiers: Orphanet 138, MedGen C0265354, MONDO:0008965.

Allele frequency attached by ClinVar (database versions not stated): ExAC 0.00004; gnomAD exomes 0.00004 and 0.00005; TOPMed 0.00004; gnomAD 0.00005.
gnomAD v4.1: 78 of 1,610,512 alleles (0.0048%); highest among the groups gnomAD compares: Non-Finnish European, 0.0064%; no homozygotes.

Submissions (6):

CeGaT Center for Human Genetics Tuebingen
Classification: Likely benign. Last evaluated: 2026-08-01. Review status: criteria provided, single submitter. Criteria: CeGaT Center For Human Genetics Tuebingen Variant Classification Criteria Version 2. Collection method: clinical testing. Allele origin: germline. Affected: yes. Observed: 2 variant alleles.
Comment: CHD7: BP4, BS2

PreventionGenetics, part of Exact Sciences
Classification: Uncertain significance for CHD7-related condition. Last evaluated: 2025-11-25. Review status: criteria provided, single submitter. Criteria: ACMG Guidelines, 2015. Collection method: clinical testing. Allele origin: germline.
Comment: The CHD7 c.7082G>A variant is predicted to result in the amino acid substitution p.Arg2361Lys. This variant was reported in an individual with normosmic isolated hypogonadotropic hypogonadism (Kałużna et al. 2024. PubMed ID: 39010903). An alternate missense change at the same amino acid position (p.Arg2361Ser) has been reported in an individual with Kallmann syndrome (Sun et al. 2021. PubMed ID: 35047002). This variant is reported in 0.0096% of alleles in individuals of European (Non-Finnish) descent in gnomAD. At this time, the clinical significance of this variant is uncertain due to the absence of conclusive functional and genetic evidence.

Labcorp Genetics (formerly Invitae), Labcorp
Classification: Likely benign for CHARGE syndrome. Last evaluated: 2025-04-17. Review status: criteria provided, single submitter. Criteria: Invitae Variant Classification Sherloc (09022015). Collection method: clinical testing. Allele origin: germline.

Laboratory of Genetics, Children's Clinical University Hospital Latvia
Classification: Likely benign. Last evaluated: 2025-02-16. Review status: criteria provided, single submitter. Criteria: ACMG Guidelines, 2015. Collection method: clinical testing. Allele origin: germline. Affected: yes.

Ambry Genetics
Classification: Uncertain significance for Inborn genetic diseases. Last evaluated: 2019-01-14. Review status: criteria provided, single submitter. Criteria: Ambry Variant Classification Scheme 2023. Collection method: clinical testing. Allele origin: germline.
Comment: The p.R2361K variant (also known as c.7082G>A), located in coding exon 32 of the CHD7 gene, results from a G to A substitution at nucleotide position 7082. The arginine at codon 2361 is replaced by lysine, an amino acid with highly similar properties. This amino acid position is highly conserved in available vertebrate species. In addition, this alteration is predicted to be tolerated by in silico analysis. Since supporting evidence is limited at this time, the clinical significance of this alteration remains unclear.

Illumina Laboratory Services, Illumina
Classification: Uncertain significance for Kallmann Syndrome 5. Last evaluated: 2018-01-13. Review status: criteria provided, single submitter. Criteria: ICSL Variant Classification Criteria 13 December 2019. Collection method: clinical testing. Allele origin: germline.